The following is an entry in ClinVar:

NM_001128205.2(SULF1):c.2498G>A (p.Arg833Lys)

Gene: SULF1 (sulfatase 1; plus strand). Cytogenetic location: 8q13.3.
Variant type: single nucleotide variant.
Coding change: c.2498G>A on transcript NM_001128205.2 (MANE Select); coding-DNA position 2498, G replaced by A.
Protein change: p.Arg833Lys; replaces arginine 833 with lysine.
Molecular consequence: missense variant. On other transcripts: synonymous variant (2), non-coding transcript variant (7).
Genome position (GRCh38, 1-based): chr8:69,638,805, G>A. VCF-style: chr8-69638805-G-A. GRCh37 (hg19) VCF-style: chr8-70551040-G-A.
Other names: c.2312G>A, p.Arg771Lys (NM_001412841.1, NM_001412842.1); c.1898G>A, p.Arg633Lys (NM_001412844.1, NM_001412845.1); c.707G>A, p.Arg236Lys (NM_001412846.1); c.2355G>A, p.Gln785= (NM_001412850.1, NM_001412851.1); c.2498G>A, p.Arg833Lys (NM_015170.3, NM_001128204.2, NM_001128206.2 and 7 more transcripts); c.2369G>A, p.Arg790Lys (NM_001412832.1, NM_001412838.1, NM_001412839.1 and 1 more transcripts); c.2441G>A, p.Arg814Lys (NM_001412836.1, NM_001412837.1); short protein forms R236K, R814K, R771K, R633K, R833K, R790K.
Identifiers: ClinVar variation 3729853 (VCV003729853.2).

ClinVar aggregate classification (germline): Uncertain significance (1 of 4 stars; one submission).

Submission:

Labcorp Genetics (formerly Invitae), Labcorp
Classification: Uncertain significance. Last evaluated: 2025-01-30. Review status: criteria provided, single submitter. Criteria: Invitae Variant Classification Sherloc (09022015). Collection method: clinical testing. Allele origin: germline.
Comment: This sequence change replaces arginine, which is basic and polar, with lysine, which is basic and polar, at codon 833 of the SULF1 protein (p.Arg833Lys). This variant is not present in population databases (gnomAD no frequency). This variant has not been reported in the literature in individuals affected with SULF1-related conditions. An algorithm developed to predict the effect of missense changes on protein structure and function (PolyPhen-2) suggests that this variant is likely to be tolerated. In summary, the available evidence is currently insufficient to determine the role of this variant in disease. Therefore, it has been classified as a Variant of Uncertain Significance.